The following is an entry in ClinVar:

NM_002834.5(PTPN11):c.133G>A (p.Val45Ile)

Gene: PTPN11 (protein tyrosine phosphatase non-receptor type 11; plus strand). Cytogenetic location: 12q24.13.
Variant type: single nucleotide variant.
Coding change: c.133G>A on transcript NM_002834.5 (MANE Select); coding-DNA position 133, G replaced by A.
Protein change: p.Val45Ile; replaces valine 45 with isoleucine.
Molecular consequence: missense variant.
Genome position (GRCh38, 1-based): chr12:112,446,394, G>A. VCF-style: chr12-112446394-G-A. GRCh37 (hg19) VCF-style: chr12-112884198-G-A.
Other names: c.133G>A, p.Val45Ile (NM_001330437.2, NM_001374625.1, NM_080601.3); c.133G>A (NM_002834.3); short protein forms V45I.
Identifiers: ClinVar variation 1044883 (VCV001044883.10), dbSNP rs2037995352, ClinGen allele CA386776370.

ClinVar aggregate classification (germline): Uncertain significance. Review status: criteria provided, multiple submitters, no conflicts (2 of 4 stars). 2 submissions from 2 submitters: Uncertain significance (2). Last evaluated 2026-06-26.

Conditions:
RASopathy. Also called: Noonan spectrum disorder; rasopathies. Identifiers: Orphanet 536391, MedGen C5555857, MONDO:0021060.

gnomAD v4.1: 1 of 1,614,100 alleles (0.000062%); highest among the groups gnomAD compares: Non-Finnish European, 0.000085%; no homozygotes.

Submissions (2):

GeneDx
Classification: Uncertain significance. Last evaluated: 2026-06-26. Review status: criteria provided, single submitter. Criteria: GeneDx Variant Classification Process June 2021. Collection method: clinical testing. Allele origin: germline.
Comment: Has not been previously published as pathogenic or benign to our knowledge; Not observed at significant frequency in large population cohorts (gnomAD); In silico analysis suggests that this missense variant does not alter protein structure/function; Missense variants in this gene are a common cause of disease and they are underrepresented in the general population; This variant is associated with the following publications: (PMID: 29493581)

Labcorp Genetics (formerly Invitae), Labcorp
Classification: Uncertain significance for RASopathy. Last evaluated: 2025-05-14. Review status: criteria provided, single submitter. Criteria: Invitae Variant Classification Sherloc (09022015). Collection method: clinical testing. Allele origin: germline.
Comment: This sequence change replaces valine, which is neutral and non-polar, with isoleucine, which is neutral and non-polar, at codon 45 of the PTPN11 protein (p.Val45Ile). This variant is not present in population databases (gnomAD no frequency). This variant has not been reported in the literature in individuals affected with PTPN11-related conditions. ClinVar contains an entry for this variant (Variation ID: 1044883). Invitae Evidence Modeling of protein sequence and biophysical properties (such as structural, functional, and spatial information, amino acid conservation, physicochemical variation, residue mobility, and thermodynamic stability) has been performed for this missense variant. However, the output from this modeling did not meet the statistical confidence thresholds required to predict the impact of this variant on PTPN11 protein function. In summary, the available evidence is currently insufficient to determine the role of this variant in disease. Therefore, it has been classified as a Variant of Uncertain Significance.